The following is an entry in ClinVar:

NM_133433.4(NIPBL):c.6892C>T (p.Arg2298Cys)

Gene: NIPBL (NIPBL cohesin loading factor; plus strand). Cytogenetic location: 5p13.2.
Variant type: single nucleotide variant.
Coding change: c.6892C>T on transcript NM_133433.4 (MANE Select); coding-DNA position 6892, C replaced by T.
Protein change: p.Arg2298Cys; replaces arginine 2298 with cysteine.
Molecular consequence: missense variant.
Genome position (GRCh38, 1-based): chr5:37,049,239, C>T. VCF-style: chr5-37049239-C-T. GRCh37 (hg19) VCF-style: chr5-37049341-C-T.
Other names: c.6892C>T, p.Arg2298Cys (NM_015384.5); short protein forms R2298C.
Identifiers: ClinVar variation 159210 (VCV000159210.22), dbSNP rs80358376, ClinGen allele CA272264.

ClinVar aggregate classification (germline): Pathogenic. Review status: criteria provided, multiple submitters, no conflicts (2 of 4 stars). 6 submissions from 6 submitters: Pathogenic (6). Last evaluated 2025-05-27.

Conditions:
NIPBL-related disorder. Also called: NIPBL-related condition.
Cornelia de Lange syndrome 1 (CDLS1). Also called: Brachmann de Lange syndrome; NIPBL-Related Cornelia de Lange Syndrome; TYPUS DEGENERATIVUS AMSTELODAMENSIS. Identifiers: Orphanet 199, MedGen C4551851, MONDO:0007387, OMIM 122470.

Submissions (6):

GeneDx
Classification: Pathogenic. Last evaluated: 2025-05-27. Review status: criteria provided, single submitter. Criteria: GeneDx Variant Classification Process June 2021. Collection method: clinical testing. Allele origin: germline. Affected: yes.
Comment: Not observed at significant frequency in large population cohorts (gnomAD); In silico analysis supports that this missense variant has a deleterious effect on protein structure/function; This variant is associated with the following publications: (PMID: 17640042, 16819604, 15318302, 23254390, 24038889, 20824775, 17661813, 27535533, 35769956, 37377026, 34035299, 16236812, 30945278, 39917313)

Victorian Clinical Genetics Services, Murdoch Childrens Research Institute
Classification: Pathogenic for Cornelia de Lange syndrome 1. Last evaluated: 2023-07-16. Review status: criteria provided, single submitter. Criteria: ACMG Guidelines, 2015. Collection method: clinical testing. Allele origin: germline. Inheritance: Autosomal dominant inheritance. Affected: yes.
Comment: Based on the classification scheme VCGS_Germline_v1.3.4, this variant is classified as Pathogenic. Following criteria are met: 0102 - Loss of function is a known mechanism of disease in this gene and is associated with Cornelia de Lange syndrome 1 (MIM#122470). (I) 0107 - This gene is associated with autosomal dominant disease. (I) 0200 - Variant is predicted to result in a missense amino acid change from arginine to cysteine. (I) 0251 - This variant is heterozygous. (I) 0301 - Variant is absent from gnomAD (both v2 and v3). (SP) 0501 - Missense variant consistently predicted to be damaging by multiple in silico tools or highly conserved with a major amino acid change. (SP) 0600 - Variant is located in the annotated sister chromatid cohesion C-terminus domain (DECIPHER). (I) 0702 - Other missense variants comparable to the one identified in this case have strong previous evidence for pathogenicity. p.(Arg2298His) and p.(Arg2298Gly) have been classified as pathogenic and likely pathogenic by clinical laboratories in ClinVar. (SP) 0801 - This variant has strong previous evidence of pathogenicity in unrelated individuals. This variant has been classified as pathogenic by multiple clinical laboratories in ClinVar, and has been observed in several individuals with Cornelia de Lange syndrome, including at least two de novo cases (DECIPHER, PMIDs: 23254390, 35769956). (SP) 1208 - Inheritance information for this variant is not currently available in this individual. (I) Legend: (SP) - Supporting pathogenic, (I) - Information, (SB) - Supporting benign

Genome-Nilou Lab
Classification: Pathogenic for Cornelia de Lange syndrome 1. Last evaluated: 2021-07-15. Review status: criteria provided, single submitter. Criteria: ACMG Guidelines, 2015. Collection method: clinical testing. Allele origin: germline. Affected: no.

Blueprint Genetics
Classification: Pathogenic for NIPBL-related disorders. Last evaluated: 2021-06-22. Review status: criteria provided, single submitter. Criteria: ACMG Guidelines, 2015. Collection method: clinical testing. Allele origin: germline. Affected: yes. Observed: 1 variant allele.

Labcorp Genetics (formerly Invitae), Labcorp
Classification: Pathogenic for Cornelia de Lange syndrome 1. Last evaluated: 2020-06-02. Review status: criteria provided, single submitter. Criteria: Invitae Variant Classification Sherloc (09022015). Collection method: clinical testing. Allele origin: germline.
Comment: For these reasons, this variant has been classified as Pathogenic. A different missense substitution at this codon (p.Arg2298His) has been determined to be pathogenic (PMID: 15318302, 16100726, 26725122). This suggests that the arginine residue is critical for NIPBL protein function and that other missense substitutions at this position may also be pathogenic. Algorithms developed to predict the effect of missense changes on protein structure and function do not agree on the potential impact of this missense change (SIFT: "Deleterious"; PolyPhen-2: "Probably Damaging"; Align-GVGD: "Class C0"). This variant has been reported in individuals affected with Cornelia de Lange syndrome (PMID: 15318302) and has been reported to arise de novo in at least 2 affected individuals (PMID: 23254390, 17661813). ClinVar contains an entry for this variant (Variation ID: 159210). This variant is not present in population databases (ExAC no frequency). This sequence change replaces arginine with cysteine at codon 2298 of the NIPBL protein (p.Arg2298Cys). The arginine residue is moderately conserved and there is a large physicochemical difference between arginine and cysteine.

Genetic Services Laboratory, University of Chicago
Classification: Pathogenic for Cornelia de Lange syndrome 1. Last evaluated: 2013-08-27. Review status: criteria provided, single submitter. Criteria: ACMG Guidelines, 2007. Collection method: clinical testing. Allele origin: germline. Inheritance: Autosomal dominant inheritance. Affected: yes.

Literature cited by the submitters: PubMed 23254390 (cited by Victorian Clinical Genetics Services, Murdoch Childrens Research Institute and Labcorp Genetics (formerly Invitae), Labcorp); PubMed 35769956 (cited by Victorian Clinical Genetics Services, Murdoch Childrens Research Institute); PubMed 15318302 (cited by Labcorp Genetics (formerly Invitae), Labcorp); PubMed 16100726 (cited by Labcorp Genetics (formerly Invitae), Labcorp); PubMed 26725122 (cited by Labcorp Genetics (formerly Invitae), Labcorp); PubMed 17661813 (cited by Labcorp Genetics (formerly Invitae), Labcorp).